The following is an entry in ClinVar:

ClinVar aggregate classification (germline): Benign/Likely benign. Review status: criteria provided, multiple submitters, no conflicts (2 of 4 stars). 21 submissions from 20 submitters: Benign (13); Likely benign (6). 2 of the submissions do not count toward it. Last evaluated 2026-09-01.

Conditions:
Connective tissue disorder. Also called: Connective tissue disease. Identifiers: MedGen C0009782, MONDO:0003900.
Ehlers-Danlos syndrome (EDS). Identifiers: Orphanet 98249, MedGen C0013720, MONDO:0020066.
Familial thoracic aortic aneurysm and aortic dissection (TAAD). Also called: Thoracic aortic aneurysms and dissections. Identifiers: Orphanet 91387, MedGen C4707243, MONDO:0019625.
Congenital contractural arachnodactyly (CCA). Also called: BEALS SYNDROME; Beals-Hecht syndrome; Arthrogryposis, distal, type 9. Identifiers: Orphanet 115, MedGen C0220668, MONDO:0007363, OMIM 121050.

Allele frequency attached by ClinVar (database versions not stated): 1000 Genomes Project 0.00319; 1000 Genomes Project 30x 0.00344; gnomAD 0.00648 and 0.00654; ExAC 0.00656; gnomAD exomes 0.00670; TOPMed 0.00674; ESP Exome Variant Server 0.00861.
gnomAD v4.1: 15,739 of 1,613,824 alleles (0.98%); highest among the groups gnomAD compares: Non-Finnish European, 1.1%; 129 homozygotes.

Submissions (21):

CeGaT Center for Human Genetics Tuebingen
Classification: Benign. Last evaluated: 2026-09-01. Review status: criteria provided, single submitter. Criteria: CeGaT Center For Human Genetics Tuebingen Variant Classification Criteria Version 2. Collection method: clinical testing. Allele origin: germline. Affected: yes. Observed: 27 variant alleles.
Comment: FBN2: BS1, BS2

Labcorp Genetics (formerly Invitae), Labcorp
Classification: Benign for Congenital contractural arachnodactyly. Last evaluated: 2026-02-03. Review status: criteria provided, single submitter. Criteria: Invitae Variant Classification Sherloc (09022015). Collection method: clinical testing. Allele origin: germline.

ARUP Laboratories, Molecular Genetics and Genomics, ARUP Laboratories
Classification: Benign. Last evaluated: 2025-07-28. Review status: criteria provided, single submitter. Criteria: ARUP Molecular Germline Variant Investigation Process 2024. Collection method: clinical testing. Allele origin: germline.

Blueprint Genetics
Classification: Likely benign. Last evaluated: 2024-11-25. Review status: criteria provided, single submitter. Criteria: ACMG Guidelines, 2015. Collection method: clinical testing. Allele origin: germline.

Mayo Clinic Laboratories, Mayo Clinic
Classification: Benign. Last evaluated: 2023-08-10. Review status: criteria provided, single submitter. Criteria: ACMG Guidelines, 2015. Collection method: clinical testing. Allele origin: germline. Observed: 20 variant alleles.
Comment: BS1, BS2

Genome Diagnostics Laboratory, The Hospital for Sick Children
Classification: Benign for Ehlers-Danlos syndrome. Last evaluated: 2022-05-07. Review status: criteria provided, single submitter. Criteria: ACMG Guidelines, 2015. Collection method: clinical testing. Allele origin: germline.

Genome Diagnostics Laboratory, The Hospital for Sick Children
Classification: Benign for Connective tissue disorder. Last evaluated: 2022-01-22. Review status: criteria provided, single submitter. Criteria: ACMG Guidelines, 2015. Collection method: clinical testing. Allele origin: germline.

Mendelics
Classification: Benign for Congenital contractural arachnodactyly. Last evaluated: 2019-05-28. Review status: criteria provided, single submitter. Criteria: Mendelics Assertion Criteria 2017. Collection method: clinical testing. Allele origin: unknown.

GeneDx
Classification: Benign. Last evaluated: 2018-11-28. Review status: criteria provided, single submitter. Criteria: GeneDx Variant Classification Process June 2021. Collection method: clinical testing. Allele origin: germline. Affected: yes.
Comment: This variant is associated with the following publications: (PMID: 18767143, 20981092, 27884173, 27007659, 31316167)

Clinical Genetics DNA and cytogenetics Diagnostics Lab, Erasmus MC, Erasmus Medical Center
Classification: Likely benign for Congenital contractural arachnodactyly. Last evaluated: 2017-09-12. Review status: criteria provided, single submitter. Criteria: ACGS Guidelines, 2013. Collection method: clinical testing. Allele origin: germline. Affected: yes. Study: VKGL Data-share Consensus.

Illumina Laboratory Services, Illumina
Classification: Likely benign for Congenital contractural arachnodactyly. Last evaluated: 2017-04-27. Review status: criteria provided, single submitter. Criteria: ICSL Variant Classification Criteria 13 December 2019. Collection method: clinical testing. Allele origin: germline.
Comment: This variant was observed as part of a predisposition screen in an ostensibly healthy population. A literature search was performed for the gene, cDNA change, and amino acid change (where applicable). No publications were found based on this search. Allele frequency data from public databases allowed determination this variant is unlikely to cause disease. Therefore, this variant is classified as likely benign.

Women's Health and Genetics/Laboratory Corporation of America, LabCorp
Classification: Benign. Last evaluated: 2017-03-29. Review status: criteria provided, single submitter. Criteria: LabCorp Variant Classification Summary - May 2015. Collection method: clinical testing. Allele origin: germline.
Comment: Variant summary: The FBN2 c.976C>T (p.Pro326Ser) variant causes a missense change involving the alteration of a conserved nucleotide. 3/5 in silico tools predict a benign outcome for this variant. The variant of interest has been found in a large, broad control population, ExAC, in 796/121328 control chromosomes (6 homozygotes) at a frequency of 0.0065607, which is approximately 140 times the estimated maximal expected allele frequency of a pathogenic FBN2 variant (0.0000469), suggesting this variant is likely a benign polymorphism. In addition, multiple clinical diagnostic laboratories/reputable databases classified this variant as benign. The variant of interest has not, to our knowledge, been reported in affected individuals via publications and/or reputable databases/clinical diagnostic laboratories; nor evaluated for functional impact by in vivo/vitro studies. Taken together, this variant is classified as benign.

Center for Human Genetics, Inc
Classification: Likely benign for Connective tissue disorder. Last evaluated: 2016-11-01. Review status: criteria provided, single submitter. Criteria: ACMG Guidelines, 2015. Collection method: clinical testing. Allele origin: germline. Affected: yes.

Genome Diagnostics Laboratory, University Medical Center Utrecht
Classification: Benign for Congenital contractural arachnodactyly. Last evaluated: 2016-07-27. Review status: criteria provided, single submitter. Criteria: ACGS Guidelines, 2013. Collection method: clinical testing. Allele origin: germline. Affected: yes. Study: VKGL Data-share Consensus.

Genomic Diagnostic Laboratory, Division of Genomic Diagnostics, Children's Hospital of Philadelphia
Classification: Benign. Last evaluated: 2015-06-25. Review status: criteria provided, single submitter. Criteria: DGD Variant Analysis Guidelines. Collection method: clinical testing. Allele origin: unknown.

Eurofins Ntd Llc (ga)
Classification: Benign. Last evaluated: 2015-04-02. Review status: criteria provided, single submitter. Criteria: EGL Classification Definitions 2015. Collection method: clinical testing. Allele origin: germline. Observed: 2 variant alleles, 2 heterozygotes.

Ambry Genetics
Classification: Benign for Familial thoracic aortic aneurysm and aortic dissection. Last evaluated: 2014-11-13. Review status: criteria provided, single submitter. Criteria: Ambry Variant Classification Scheme 2023. Collection method: clinical testing. Allele origin: germline.

Breakthrough Genomics
Classification: Likely benign. Review status: criteria provided, single submitter. Criteria: ACMG Guidelines, 2015. Collection method: not provided. Allele origin: germline. Inheritance: Autosomal dominant inheritance. Affected: yes.

PreventionGenetics, part of Exact Sciences
Classification: Likely benign. Review status: criteria provided, single submitter. Criteria: ACMG Guidelines, 2015. Collection method: clinical testing. Allele origin: germline.

Genome Diagnostics Laboratory, Amsterdam University Medical Center
Classification: Benign for Congenital contractural arachnodactyly. Last evaluated: 2014-11-25. Review status: no assertion criteria provided. Criteria: ACGS Guidelines, 2013. Collection method: clinical testing. Allele origin: germline. Affected: yes. Study: VKGL Data-share Consensus. Not counted in ClinVar's aggregate classification.

Laboratory of Diagnostic Genome Analysis, Leiden University Medical Center (LUMC)
Classification: Likely benign. Review status: no assertion criteria provided. Collection method: clinical testing. Allele origin: germline. Affected: yes. Study: VKGL Data-share Consensus. Not counted in ClinVar's aggregate classification.

Literature cited by the submitters: PubMed 17935258 (cited by Women's Health and Genetics/Laboratory Corporation of America, LabCorp).

NM_001999.4(FBN2):c.976C>T (p.Pro326Ser)

Gene: FBN2 (fibrillin 2; minus strand). Cytogenetic location: 5q23.3.
Variant type: single nucleotide variant.
Coding change: c.976C>T on transcript NM_001999.4 (MANE Select); coding-DNA position 976, C replaced by T.
Protein change: p.Pro326Ser; replaces proline 326 with serine.
Molecular consequence: missense variant.
Genome position (GRCh38, 1-based): chr5:128,408,776, G>A on the plus strand (C>T on the coding strand, the complement: FBN2 is on the minus strand). VCF-style: chr5-128408776-G-A. GRCh37 (hg19) VCF-style: chr5-127744469-G-A.
Other names: p.P326S:CCT>TCT; p.Pro326Ser; short protein forms P326S.
Identifiers: ClinVar variation 137316 (VCV000137316.103), dbSNP rs28763954, ClinGen allele CA303061.